The following is an entry in ClinVar:

NM_000535.7(PMS2):c.572A>C (p.Tyr191Ser)

Gene: PMS2 (PMS1 homolog 2, mismatch repair system component; minus strand). Cytogenetic location: 7p22.1.
Variant type: single nucleotide variant.
Coding change: c.572A>C on transcript NM_000535.7 (MANE Select); coding-DNA position 572, A replaced by C.
Protein change: p.Tyr191Ser; replaces tyrosine 191 with serine.
Molecular consequence: missense variant. On other transcripts: non-coding transcript variant (1), intron variant (3).
Genome position (GRCh38, 1-based): chr7:5,999,241, T>G on the plus strand (A>C on the coding strand, the complement: PMS2 is on the minus strand). VCF-style: chr7-5999241-T-G. GRCh37 (hg19) VCF-style: chr7-6038872-T-G.
Other names: c.167A>C, p.Tyr56Ser (NM_001322003.2, NM_001322004.2, NM_001322005.2 and 2 more transcripts); c.572A>C, p.Tyr191Ser (NM_001322006.2, NM_001322014.2); c.254A>C, p.Tyr85Ser (NM_001322007.2, NM_001322008.2); c.263A>C, p.Tyr88Ser (NM_001322015.2); c.133-1818A>C (NM_001322013.2); c.-347-15A>C (NM_001322012.2, NM_001322011.2); short protein forms Y191S, Y56S, Y88S, Y85S.
Identifiers: ClinVar variation 943430 (VCV000943430.10), dbSNP rs375289386, ClinGen allele CA366744065.

ClinVar aggregate classification (germline): Uncertain significance. Review status: criteria provided, multiple submitters, no conflicts (2 of 4 stars). 2 submissions from 2 submitters: Uncertain significance (2). Last evaluated 2023-08-04.

Conditions:
Lynch syndrome 4 (LYNCH4). Also called: Hereditary non-polyposis colorectal cancer, type 4; Colorectal cancer, hereditary nonpolyposis, type 4. Identifiers: Orphanet 144, MedGen C1838333, MONDO:0013699, OMIM 614337. Disease mechanism: loss of function.
Hereditary nonpolyposis colorectal neoplasms. Identifiers: MedGen C0009405, MeSH D003123.

Submissions (2):

Labcorp Genetics (formerly Invitae), Labcorp
Classification: Uncertain significance for Hereditary nonpolyposis colorectal neoplasms. Last evaluated: 2023-08-04. Review status: criteria provided, single submitter. Criteria: Invitae Variant Classification Sherloc (09022015). Collection method: clinical testing. Allele origin: germline.
Comment: Algorithms developed to predict the effect of sequence changes on RNA splicing suggest that this variant may create or strengthen a splice site. Advanced modeling of protein sequence and biophysical properties (such as structural, functional, and spatial information, amino acid conservation, physicochemical variation, residue mobility, and thermodynamic stability) performed at Invitae indicates that this missense variant is expected to disrupt PMS2 protein function. ClinVar contains an entry for this variant (Variation ID: 943430). This variant has not been reported in the literature in individuals affected with PMS2-related conditions. This variant is not present in population databases (gnomAD no frequency). This sequence change replaces tyrosine, which is neutral and polar, with serine, which is neutral and polar, at codon 191 of the PMS2 protein (p.Tyr191Ser). In summary, the available evidence is currently insufficient to determine the role of this variant in disease. Therefore, it has been classified as a Variant of Uncertain Significance.

Baylor Genetics
Classification: Uncertain significance for Lynch syndrome 4. Last evaluated: 2023-06-20. Review status: criteria provided, single submitter. Criteria: ACMG Guidelines, 2015. Collection method: clinical testing. Allele origin: unknown.